The following is an entry in ClinVar:

ClinVar aggregate classification (germline): Uncertain significance (1 of 4 stars; one submission).

Submission:

Ambry Genetics
Classification: Uncertain significance. Last evaluated: 2025-03-29. Review status: criteria provided, single submitter. Criteria: Ambry Variant Classification Scheme 2023. Collection method: clinical testing. Allele origin: germline.
Comment: The p.G8V variant (also known as c.23G>T), located in coding exon 1 of the ATRIP gene, results from a G to T substitution at nucleotide position 23. The glycine at codon 8 is replaced by valine, an amino acid with dissimilar properties. This amino acid position is conserved. In addition, this alteration is predicted to be tolerated by in silico analysis. Based on the available evidence, the clinical significance of this variant remains unclear.

NM_130384.3(ATRIP):c.23G>T (p.Gly8Val)

Genes: ATRIP (ATR interacting protein; plus strand), ATRIP-TREX1 (ATRIP-TREX1 readthrough; plus strand), LOC129936703 (ATAC-STARR-seq lymphoblastoid silent region 14331; plus strand). Cytogenetic location: 3p21.31.
Variant type: single nucleotide variant.
Coding change: c.23G>T on transcript NM_130384.3 (MANE Select); coding-DNA position 23, G replaced by T.
Protein change: p.Gly8Val; replaces glycine 8 with valine.
Molecular consequence: missense variant. On other transcripts: non-coding transcript variant (1), intron variant (1).
Genome position (GRCh38, 1-based): chr3:48,446,868, G>T. VCF-style: chr3-48446868-G-T. GRCh37 (hg19) VCF-style: chr3-48488272-G-T.
Other names: c.23G>T, p.Gly8Val (NM_032166.4); c.-218+69G>T (NM_001271022.2); short protein forms G8V.
Identifiers: ClinVar variation 3975787 (VCV003975787.1).